The following is an entry in ClinVar:

NC_000006.11:g.(?_51609163)_(51640739_?)dup

Gene: PKHD1 (PKHD1 ciliary IPT domain containing fibrocystin/polyductin; minus strand). Cytogenetic location: 6p12.3.
Variant type: Duplication.
Identifiers: ClinVar variation 2427260 (VCV002427260.5).

ClinVar aggregate classification (germline): Uncertain significance (1 of 4 stars; one submission).

Conditions:
Autosomal recessive polycystic kidney disease (ARPKD). Also called: AR polycystic kidney disease. Identifiers: Orphanet 731, Orphanet 8378, MedGen C0085548, MeSH D017044, MONDO:0009889.

Submission:

Labcorp Genetics (formerly Invitae), Labcorp
Classification: Uncertain significance for Autosomal recessive polycystic kidney disease. Last evaluated: 2023-09-11. Review status: criteria provided, single submitter. Criteria: Invitae Variant Classification Sherloc (09022015). Collection method: clinical testing. Allele origin: germline.
Comment: This variant results in a copy number gain of the genomic region encompassing exon(s) 54-60 of the PKHD1 gene. While the exact position of this variant cannot be determined from the data, sub-genic copy number gains are generally in tandem (PMID: 25640679). This variant is predicted to be in-frame, and likely preserves the integrity of the reading frame. This variant has not been reported in the literature in individuals affected with PKHD1-related conditions. Experimental studies and prediction algorithms are not available or were not evaluated, and the functional significance of this variant is currently unknown. In summary, the available evidence is currently insufficient to determine the role of this variant in disease. Therefore, it has been classified as a Variant of Uncertain Significance.

Literature cited by the submitters: PubMed 25640679.